The following is an entry in ClinVar:

NM_005559.4(LAMA1):c.2030C>T (p.Ser677Phe)

Gene: LAMA1 (laminin subunit alpha 1; minus strand). Cytogenetic location: 18p11.31.
Variant type: single nucleotide variant.
Coding change: c.2030C>T on transcript NM_005559.4 (MANE Select); coding-DNA position 2030, C replaced by T.
Protein change: p.Ser677Phe; replaces serine 677 with phenylalanine.
Molecular consequence: missense variant.
Genome position (GRCh38, 1-based): chr18:7,034,500, G>A on the plus strand (C>T on the coding strand, the complement: LAMA1 is on the minus strand). VCF-style: chr18-7034500-G-A. GRCh37 (hg19) VCF-style: chr18-7034499-G-A.
Other names: short protein forms S677F.
Identifiers: ClinVar variation 749036 (VCV000749036.33), dbSNP rs552107035, ClinGen allele CA8882808.

ClinVar aggregate classification (germline): Likely benign. Review status: criteria provided, multiple submitters, no conflicts (2 of 4 stars). 3 submissions from 3 submitters: Likely benign (3). Last evaluated 2026-01-26.

Allele frequency attached by ClinVar (database versions not stated): gnomAD 0.00001 and 0.00025; TOPMed 0.00005; gnomAD exomes 0.00037 and 0.00084; ExAC 0.00096; 1000 Genomes Project 0.00280; 1000 Genomes Project 30x 0.00312.
gnomAD v4.1: 578 of 1,614,056 alleles (0.036%); highest among the groups gnomAD compares: South Asian, 0.6%; 4 homozygotes.

Submissions (3):

Labcorp Genetics (formerly Invitae), Labcorp
Classification: Likely benign. Last evaluated: 2026-01-26. Review status: criteria provided, single submitter. Criteria: Invitae Variant Classification Sherloc (09022015). Collection method: clinical testing. Allele origin: germline.

Blueprint Genetics
Classification: Likely benign. Last evaluated: 2024-10-24. Review status: criteria provided, single submitter. Criteria: ACMG Guidelines, 2015. Collection method: clinical testing. Allele origin: germline.

CeGaT Center for Human Genetics Tuebingen
Classification: Likely benign. Last evaluated: 2024-06-01. Review status: criteria provided, single submitter. Criteria: CeGaT Center For Human Genetics Tuebingen Variant Classification Criteria Version 2. Collection method: clinical testing. Allele origin: germline. Affected: yes. Observed: 2 variant alleles.
Comment: LAMA1: BP4, BS2